The following is an entry in ClinVar:

ClinVar aggregate classification (germline): Uncertain significance (1 of 4 stars; one submission).

Allele frequency attached by ClinVar (database versions not stated): TOPMed below 0.00001; gnomAD 0.00001; gnomAD exomes 0.00001.
gnomAD v4.1: 6 of 1,551,352 alleles (0.00039%); highest among the groups gnomAD compares: East Asian, 0.0024%; no homozygotes.

Submission:

Labcorp Genetics (formerly Invitae), Labcorp
Classification: Uncertain significance. Last evaluated: 2021-05-18. Review status: criteria provided, single submitter. Criteria: Invitae Variant Classification Sherloc (09022015). Collection method: clinical testing. Allele origin: germline.
Comment: Algorithms developed to predict the effect of missense changes on protein structure and function are either unavailable or do not agree on the potential impact of this missense change (SIFT: "Deleterious"; PolyPhen-2: "Possibly Damaging"; Align-GVGD: "Class C0"). In summary, the available evidence is currently insufficient to determine the role of this variant in disease. Therefore, it has been classified as a Variant of Uncertain Significance. This variant has not been reported in the literature in individuals with CCDC88A-related conditions. This variant is not present in population databases (ExAC no frequency). This sequence change replaces proline with leucine at codon 1475 of the CCDC88A protein (p.Pro1475Leu). The proline residue is weakly conserved and there is a moderate physicochemical difference between proline and leucine.

NM_001365480.1(CCDC88A):c.4427C>T (p.Pro1476Leu)

Gene: CCDC88A (coiled-coil and HOOK domain protein 88A; minus strand). Cytogenetic location: 2p16.1.
Variant type: single nucleotide variant.
Coding change: c.4427C>T on transcript NM_001365480.1 (MANE Select); coding-DNA position 4427, C replaced by T.
Protein change: p.Pro1476Leu; replaces proline 1476 with leucine.
Molecular consequence: missense variant. On other transcripts: intron variant (1).
Genome position (GRCh38, 1-based): chr2:55,303,113, G>A on the plus strand (C>T on the coding strand, the complement: CCDC88A is on the minus strand). VCF-style: chr2-55303113-G-A. GRCh37 (hg19) VCF-style: chr2-55530249-G-A.
Other names: c.4424C>T, p.Pro1475Leu (NM_001135597.2, NM_001254943.2); c.4388-1041C>T (NM_018084.5); short protein forms P1476L, P1475L.
Identifiers: ClinVar variation 1399038 (VCV001399038.8), dbSNP rs974408059, ClinGen allele CA47625920.